The following is an entry in ClinVar:

ClinVar aggregate classification (germline): Pathogenic (1 of 4 stars; one submission).

Submission:

Labcorp Genetics (formerly Invitae), Labcorp
Classification: Pathogenic. Last evaluated: 2022-12-21. Review status: criteria provided, single submitter. Criteria: Invitae Variant Classification Sherloc (09022015). Collection method: clinical testing. Allele origin: germline.
Comment: This sequence change creates a premature translational stop signal (p.Glu2262*) in the FREM2 gene. It is expected to result in an absent or disrupted protein product. Loss-of-function variants in FREM2 are known to be pathogenic (PMID: 18203166, 26552811). This variant is not present in population databases (gnomAD no frequency). For these reasons, this variant has been classified as Pathogenic. This variant has not been reported in the literature in individuals affected with FREM2-related conditions.

Literature cited by the submitters: PubMed 18203166; PubMed 26552811.

NM_207361.6(FREM2):c.6784G>T (p.Glu2262Ter)

Gene: FREM2 (FRAS1 related extracellular matrix 2; plus strand). Cytogenetic location: 13q13.3.
Variant type: single nucleotide variant.
Coding change: c.6784G>T on transcript NM_207361.6 (MANE Select); coding-DNA position 6784, G replaced by T.
Protein change: p.Glu2262Ter; replaces glutamic acid 2262 with a stop codon.
Molecular consequence: nonsense.
Genome position (GRCh38, 1-based): chr13:38,851,727, G>T. VCF-style: chr13-38851727-G-T. GRCh37 (hg19) VCF-style: chr13-39425864-G-T.
Other names: short protein forms E2262*.
Identifiers: ClinVar variation 2822824 (VCV002822824.3), dbSNP rs2541489493, ClinGen allele CA387897066.